The following is an entry in ClinVar:

NM_013275.6(ANKRD11):c.4077G>T (p.Lys1359Asn)

Gene: ANKRD11 (ankyrin repeat domain containing 11; minus strand). Cytogenetic location: 16q24.3.
Variant type: single nucleotide variant.
Coding change: c.4077G>T on transcript NM_013275.6 (MANE Select); coding-DNA position 4077, G replaced by T.
Protein change: p.Lys1359Asn; replaces lysine 1359 with asparagine.
Molecular consequence: missense variant.
Genome position (GRCh38, 1-based): chr16:89,282,465, C>A on the plus strand (G>T on the coding strand, the complement: ANKRD11 is on the minus strand). VCF-style: chr16-89282465-C-A. GRCh37 (hg19) VCF-style: chr16-89348873-C-A.
Other names: c.4077G>T, p.Lys1359Asn (NM_001256182.2, NM_001256183.2); short protein forms K1359N.
Identifiers: ClinVar variation 1303951 (VCV001303951.2), dbSNP rs934123336, ClinGen allele CA397158366.

ClinVar aggregate classification (germline): Uncertain significance (1 of 4 stars; one submission).

Submission:

GeneDx
Classification: Uncertain significance. Last evaluated: 2018-06-20. Review status: criteria provided, single submitter. Criteria: GeneDx Variant Classification Process June 2021. Collection method: clinical testing. Allele origin: germline. Affected: yes.
Comment: Not observed in large population cohorts (Lek et al., 2016); In silico analysis, which includes protein predictors and evolutionary conservation, supports that this variant does not alter protein structure/function; Has not been previously published as pathogenic or benign to our knowledge